The following is an entry in ClinVar:

ClinVar aggregate classification (germline): Pathogenic (1 of 4 stars; one submission).

Conditions:
Neurofibromatosis, type 1 (NF1). Also called: Peripheral type neurofibromatosis; VON RECKLINGHAUSEN DISEASE; Neurofibromatosis, type I; NEUROFIBROMATOSIS, TYPE I, SOMATIC. Identifiers: Orphanet 636, MedGen C0027831, MONDO:0018975, OMIM 162200. Disease mechanism: loss of function.

Submission:

Labcorp Genetics (formerly Invitae), Labcorp
Classification: Pathogenic for Neurofibromatosis, type 1. Last evaluated: 2023-12-22. Review status: criteria provided, single submitter. Criteria: Invitae Variant Classification Sherloc (09022015). Collection method: clinical testing. Allele origin: germline.
Comment: This sequence change creates a premature translational stop signal (p.Cys1367Phefs*18) in the NF1 gene. It is expected to result in an absent or disrupted protein product. Loss-of-function variants in NF1 are known to be pathogenic (PMID: 10712197, 23913538). This variant is not present in population databases (gnomAD no frequency). This variant has not been reported in the literature in individuals affected with NF1-related conditions. For these reasons, this variant has been classified as Pathogenic.

Literature cited by the submitters: PubMed 10712197; PubMed 23913538.

NM_001042492.3(NF1):c.4100del (p.Cys1367fs)

Gene: NF1 (neurofibromin 1; plus strand). Cytogenetic location: 17q11.2.
Variant type: Deletion.
Coding change: c.4100del on transcript NM_001042492.3 (MANE Select); coding-DNA position 4100, one base deleted (G; older notation c.4100delG).
Protein change: p.Cys1367fs; shifts the reading frame from cysteine 1367.
Molecular consequence: frameshift variant.
Genome position (GRCh38, 1-based): chr17:31,249,109, G deleted. VCF-style (leftmost placement, unchanged base first): chr17-31249108-TG-T. GRCh37 (hg19) VCF-style: chr17-29576126-TG-T.
Other names: c.4100delG, p.Cys1367Phefs (NM_000267.4); short protein forms C1367fs.
Identifiers: ClinVar variation 2702774 (VCV002702774.3), dbSNP rs2508352865, ClinGen allele CA2697559774.